The following is an entry in ClinVar:

NM_015164.4(PLEKHM2):c.2466G>C (p.Gly822=)

Gene: PLEKHM2 (pleckstrin homology and RUN domain containing M2; plus strand). Cytogenetic location: 1p36.21.
Variant type: single nucleotide variant.
Coding change: c.2466G>C on transcript NM_015164.4 (MANE Select); coding-DNA position 2466, G replaced by C.
Protein change: p.Gly822=; no amino-acid change (glycine 822 retained).
Molecular consequence: synonymous variant.
Genome position (GRCh38, 1-based): chr1:15,731,889, G>C. VCF-style: chr1-15731889-G-C. GRCh37 (hg19) VCF-style: chr1-16058384-G-C.
Other names: c.2466G>C (NM_015164.2).
Identifiers: ClinVar variation 1503702 (VCV001503702.9), dbSNP rs201370265, ClinGen allele CA617272.

ClinVar aggregate classification (germline): Conflicting classifications of pathogenicity. Review status: criteria provided, conflicting classifications (1 of 4 stars). 2 submissions from 2 submitters: Uncertain significance (1); Likely benign (1). Last evaluated 2025-10-02.

Allele frequency attached by ClinVar (database versions not stated): ExAC 0.00002.
gnomAD v4.1: 46 of 1,610,234 alleles (0.0029%); highest among the groups gnomAD compares: Middle Eastern, 0.033%; no homozygotes.

Submissions (2):

Ambry Genetics
Classification: Likely benign. Last evaluated: 2025-10-02. Review status: criteria provided, single submitter. Criteria: Ambry Variant Classification Scheme 2023. Collection method: clinical testing. Allele origin: germline.

Labcorp Genetics (formerly Invitae), Labcorp
Classification: Uncertain significance. Last evaluated: 2024-11-11. Review status: criteria provided, single submitter. Criteria: Invitae Variant Classification Sherloc (09022015). Collection method: clinical testing. Allele origin: germline.
Comment: This sequence change affects codon 822 of the PLEKHM2 mRNA. It is a 'silent' change, meaning that it does not change the encoded amino acid sequence of the PLEKHM2 protein. This variant is present in population databases (rs201370265, gnomAD 0.007%). This variant has not been reported in the literature in individuals affected with PLEKHM2-related conditions. ClinVar contains an entry for this variant (Variation ID: 1503702). Algorithms developed to predict the effect of sequence changes on RNA splicing suggest that this variant may disrupt the consensus splice site. In summary, the available evidence is currently insufficient to determine the role of this variant in disease. Therefore, it has been classified as a Variant of Uncertain Significance.